The following is an entry in ClinVar:

NM_005529.7(HSPG2):c.4433G>A (p.Arg1478His)

Gene: HSPG2 (heparan sulfate proteoglycan 2; minus strand). Cytogenetic location: 1p36.12.
Variant type: single nucleotide variant.
Coding change: c.4433G>A on transcript NM_005529.7 (MANE Select); coding-DNA position 4433, G replaced by A.
Protein change: p.Arg1478His; replaces arginine 1478 with histidine.
Molecular consequence: missense variant.
Genome position (GRCh38, 1-based): chr1:21,865,036, C>T on the plus strand (G>A on the coding strand, the complement: HSPG2 is on the minus strand). VCF-style: chr1-21865036-C-T. GRCh37 (hg19) VCF-style: chr1-22191529-C-T.
Other names: c.4436G>A, p.Arg1479His (NM_001291860.2); short protein forms R1478H, R1479H.
Identifiers: ClinVar variation 1311534 (VCV001311534.5), dbSNP rs752828508, ClinGen allele CA672271.

ClinVar aggregate classification (germline): Uncertain significance. Review status: criteria provided, multiple submitters, no conflicts (2 of 4 stars). 2 submissions from 2 submitters: Uncertain significance (2). Last evaluated 2022-10-05.

Allele frequency attached by ClinVar (database versions not stated): gnomAD 0.00005; ExAC 0.00003; TOPMed 0.00007.
gnomAD v4.1: 61 of 1,571,612 alleles (0.0039%); highest among the groups gnomAD compares: Non-Finnish European, 0.0047%; no homozygotes.

Submissions (2):

Labcorp Genetics (formerly Invitae), Labcorp
Classification: Uncertain significance. Last evaluated: 2022-10-05. Review status: criteria provided, single submitter. Criteria: Invitae Variant Classification Sherloc (09022015). Collection method: clinical testing. Allele origin: germline.
Comment: In summary, the available evidence is currently insufficient to determine the role of this variant in disease. Therefore, it has been classified as a Variant of Uncertain Significance. This variant disrupts the p.Arg1478 amino acid residue in HSPG2. Other variant(s) that disrupt this residue have been determined to be pathogenic (PMID: 16927315). This suggests that this residue is clinically significant, and that variants that disrupt this residue are likely to be disease-causing. Algorithms developed to predict the effect of missense changes on protein structure and function are either unavailable or do not agree on the potential impact of this missense change (SIFT: "Deleterious"; PolyPhen-2: "Probably Damaging"; Align-GVGD: "Class C0"). ClinVar contains an entry for this variant (Variation ID: 1311534). This variant has not been reported in the literature in individuals affected with HSPG2-related conditions. This variant is present in population databases (rs752828508, gnomAD 0.006%). This sequence change replaces arginine, which is basic and polar, with histidine, which is basic and polar, at codon 1478 of the HSPG2 protein (p.Arg1478His).

GeneDx
Classification: Uncertain significance. Last evaluated: 2019-12-27. Review status: criteria provided, single submitter. Criteria: GeneDx Variant Classification Process June 2021. Collection method: clinical testing. Allele origin: germline. Affected: yes.
Comment: In silico analysis, which includes protein predictors and evolutionary conservation, supports a deleterious effect; Has not been previously published as pathogenic or benign to our knowledge; A different missense change at this residue (R1478C) has been reported in the Human Gene Mutation Database (Stenson et al., 2014)

Literature cited by the submitters: PubMed 16927315 (cited by Labcorp Genetics (formerly Invitae), Labcorp).